The following is an entry in ClinVar:

NM_025114.4(CEP290):c.5332C>T (p.Gln1778Ter)

Gene: CEP290 (centrosomal protein 290; minus strand). Cytogenetic location: 12q21.32.
Variant type: single nucleotide variant.
Coding change: c.5332C>T on transcript NM_025114.4 (MANE Select); coding-DNA position 5332, C replaced by T.
Protein change: p.Gln1778Ter; replaces glutamine 1778 with a stop codon.
Molecular consequence: nonsense.
Genome position (GRCh38, 1-based): chr12:88,079,124, G>A on the plus strand (C>T on the coding strand, the complement: CEP290 is on the minus strand). VCF-style: chr12-88079124-G-A. GRCh37 (hg19) VCF-style: chr12-88472901-G-A.
Other names: short protein forms Q1778*.
Identifiers: ClinVar variation 4816221 (VCV004816221.1).

ClinVar aggregate classification (germline): Likely pathogenic (1 of 4 stars; one submission).

Conditions:
Leber congenital amaurosis (LCA). Also called: Leber's amaurosis. Identifiers: Orphanet 65, MedGen C0339527, MeSH D057130, MONDO:0018998.

Submission:

Natera, Inc.
Classification: Likely pathogenic for Leber congenital amaurosis. Last evaluated: 2026-01-12. Review status: criteria provided, single submitter. Criteria: Natera Variant Classification Schema (03/2026). Collection method: clinical testing. Allele origin: germline.
Comment: The c.5332C>T variant in CEP290 is a nonsense variant predicted to introduce a stop codon at amino acid 1778. This variant is expected to result in nonsense mediated decay, truncation, or a dysfunctional protein product. This variant is rare in the general population with a frequency below the threshold expected for the associated phenotype(s). Given the available evidence, this variant is classified as Likely Pathogenic.